The following is an entry in ClinVar:

NM_004385.5(VCAN):c.4741A>G (p.Thr1581Ala)

Genes: VCAN (versican; plus strand), VCAN-AS1 (VCAN antisense RNA 1; minus strand). Cytogenetic location: 5q14.3.
Variant type: single nucleotide variant.
Coding change: c.4741A>G on transcript NM_004385.5 (MANE Select); coding-DNA position 4741, A replaced by G.
Protein change: p.Thr1581Ala; replaces threonine 1581 with alanine.
Molecular consequence: missense variant. On other transcripts: intron variant (2).
Genome position (GRCh38, 1-based): chr5:83,537,744, A>G. VCF-style: chr5-83537744-A-G. GRCh37 (hg19) VCF-style: chr5-82833563-A-G.
Other names: c.1780A>G, p.Thr594Ala (NM_001164097.2); c.4004-7793A>G (NM_001164098.2); c.1043-7793A>G (NM_001126336.3); short protein forms T1581A, T594A.
Identifiers: ClinVar variation 1355697 (VCV001355697.8), dbSNP rs921982984, ClinGen allele CA121808804.
Genomic context (GRCh38, chr5:83,537,744, plus strand): 5'-GCCTTTGCAAGGGCTACAGAAGTAACATTTGGTGAAGAGGTAGAAAAAAGTACTTCTGTC[A>G]CATACACTCCCACTATAGTTCCAAGTTCTGCATCAGCATATGTTTCAGAGGAAGAAGCAG-3'
Protein context (NP_004376.2, residues 1571-1591): GEEVEKSTSV[Thr1581Ala]YTPTIVPSSA

ClinVar aggregate classification (germline): Uncertain significance (1 of 4 stars; one submission).

Allele frequency attached by ClinVar (database versions not stated): gnomAD exomes below 0.00001; gnomAD 0.00001; TOPMed 0.00002.
gnomAD v4.1: 8 of 1,613,930 alleles (0.0005%); highest among the groups gnomAD compares: African/African-American, 0.011%; no homozygotes.

Submission:

Labcorp Genetics (formerly Invitae), Labcorp
Classification: Uncertain significance. Last evaluated: 2022-07-06. Review status: criteria provided, single submitter. Criteria: Invitae Variant Classification Sherloc (09022015). Collection method: clinical testing. Allele origin: germline.
Comment: ClinVar contains an entry for this variant (Variation ID: 1355697). In summary, the available evidence is currently insufficient to determine the role of this variant in disease. Therefore, it has been classified as a Variant of Uncertain Significance. Algorithms developed to predict the effect of missense changes on protein structure and function are either unavailable or do not agree on the potential impact of this missense change (SIFT: "Deleterious"; PolyPhen-2: "Benign"; Align-GVGD: "Class C0"). This variant has not been reported in the literature in individuals affected with VCAN-related conditions. This variant is present in population databases (no rsID available, gnomAD 0.007%). This sequence change replaces threonine, which is neutral and polar, with alanine, which is neutral and non-polar, at codon 1581 of the VCAN protein (p.Thr1581Ala).